The following is an entry in ClinVar:

ClinVar aggregate classification (germline): Likely benign. Review status: criteria provided, multiple submitters, no conflicts (2 of 4 stars). 2 submissions from 2 submitters: Likely benign (2). Last evaluated 2025-10-20.

Conditions:
Neonatal-onset encephalopathy with rigidity and seizures. Also called: Lethal neonatal spasticity-epileptic encephalopathy syndrome. Identifiers: Orphanet 435845, MedGen C3281029, MONDO:0013784, OMIM 614498.

Allele frequency attached by ClinVar (database versions not stated): gnomAD exomes 0.00001 and 0.00002; ExAC 0.00002; gnomAD 0.00003 and 0.00004; TOPMed 0.00005.

Submissions (2):

Labcorp Genetics (formerly Invitae), Labcorp
Classification: Likely benign for Neonatal-onset encephalopathy with rigidity and seizures. Last evaluated: 2025-10-20. Review status: criteria provided, single submitter. Criteria: Invitae Variant Classification Sherloc (09022015). Collection method: clinical testing. Allele origin: germline.

CeGaT Center for Human Genetics Tuebingen
Classification: Likely benign. Last evaluated: 2022-12-01. Review status: criteria provided, single submitter. Criteria: CeGaT Center For Human Genetics Tuebingen Variant Classification Criteria Version 2. Collection method: clinical testing. Allele origin: germline. Affected: yes. Observed: 1 variant allele.
Comment: BRAT1: BP4, BP7

NM_152743.4(BRAT1):c.2361G>A (p.Thr787=)

Gene: BRAT1 (BRCA1 associated ATM activator 1; minus strand). Cytogenetic location: 7p22.3.
Variant type: single nucleotide variant.
Coding change: c.2361G>A on transcript NM_152743.4 (MANE Select); coding-DNA position 2361, G replaced by A.
Protein change: p.Thr787=; no amino-acid change (threonine 787 retained).
Molecular consequence: synonymous variant. On other transcripts: non-coding transcript variant (1).
Genome position (GRCh38, 1-based): chr7:2,538,174, C>T on the plus strand (G>A on the coding strand, the complement: BRAT1 is on the minus strand). VCF-style: chr7-2538174-C-T. GRCh37 (hg19) VCF-style: chr7-2577808-C-T.
Other names: c.2541G>A, p.Thr847= (NM_001350626.2); c.1836G>A, p.Thr612= (NM_001350627.2).
Identifiers: ClinVar variation 745460 (VCV000745460.34), dbSNP rs757243199, ClinGen allele CA4127378.
Genomic context (GRCh38, chr7:2,538,174, plus strand): 5'-CAGCATGTCCTGCAGGAGGGACTGGGGACTCTTTTCCACGTGGTCGCTGCTCTCGGCCAG[C>T]GTGCTCCGCAGGCCCTCCAGGTCTAGGGACCTGAGCATGGCCAGCACAGCCTCAGGCTCC-3'
Protein context (NP_689956.2, residues 777-797): RSLDLEGLRS[Thr787=]LAESSDHVEK